The following is an entry in ClinVar:

ClinVar aggregate classification (germline): Pathogenic. Review status: criteria provided, multiple submitters, no conflicts (2 of 4 stars). 3 submissions from 3 submitters: Pathogenic (2). 1 of the submissions does not count toward it. Last evaluated 2022-07-17.

Conditions:
Immunodeficiency due to CD25 deficiency. Also called: CD25 DEFICIENCY; IL2RA DEFICIENCY; IMMUNODEFICIENCY 41 WITH LYMPHOPROLIFERATION AND AUTOIMMUNITY. Identifiers: Orphanet 169100, MedGen C1853392, MONDO:0011664, OMIM 606367.

Allele frequency attached by ClinVar (database versions not stated): TOPMed 0.00001; gnomAD exomes below 0.00001.
gnomAD v4.1: 3 of 1,614,098 alleles (0.00019%); highest among the groups gnomAD compares: Non-Finnish European, 0.00025%; no homozygotes.

Submissions (3):

Labcorp Genetics (formerly Invitae), Labcorp
Classification: Pathogenic for Immunodeficiency due to CD25 deficiency. Last evaluated: 2022-07-17. Review status: criteria provided, single submitter. Criteria: Invitae Variant Classification Sherloc (09022015). Collection method: clinical testing. Allele origin: germline.
Comment: This sequence change creates a premature translational stop signal (p.Gln101*) in the IL2RA gene. It is expected to result in an absent or disrupted protein product. Loss-of-function variants in IL2RA are known to be pathogenic (PMID: 9096364, 17196245). This variant is not present in population databases (gnomAD no frequency). This premature translational stop signal has been observed in individual(s) with IPEX-like syndrome (PMID: 17196245). For these reasons, this variant has been classified as Pathogenic. This variant is also known as C to T substitution at position 301. ClinVar contains an entry for this variant (Variation ID: 203515).

Genetic Services Laboratory, University of Chicago
Classification: Pathogenic. Last evaluated: 2020-06-04. Review status: criteria provided, single submitter. Criteria: ACMG Guidelines, 2015. Collection method: clinical testing. Allele origin: germline. Affected: yes.

OMIM
Classification: Pathogenic for IMMUNODEFICIENCY 41 WITH LYMPHOPROLIFERATION AND AUTOIMMUNITY. Last evaluated: 2007-02-01. Review status: no assertion criteria provided. Collection method: literature only. Allele origin: germline. Not counted in ClinVar's aggregate classification.

Literature cited by the submitters: PubMed 9096364 (cited by Labcorp Genetics (formerly Invitae), Labcorp); PubMed 17196245 (cited by Labcorp Genetics (formerly Invitae), Labcorp and OMIM).

NM_000417.3(IL2RA):c.301C>T (p.Gln101Ter)

Gene: IL2RA (interleukin 2 receptor subunit alpha; minus strand). Cytogenetic location: 10p15.1.
Variant type: single nucleotide variant.
Coding change: c.301C>T on transcript NM_000417.3 (MANE Select); coding-DNA position 301, C replaced by T.
Protein change: p.Gln101Ter; replaces glutamine 101 with a stop codon.
Molecular consequence: nonsense.
Genome position (GRCh38, 1-based): chr10:6,024,310, G>A on the plus strand (C>T on the coding strand, the complement: IL2RA is on the minus strand). VCF-style: chr10-6024310-G-A. GRCh37 (hg19) VCF-style: chr10-6066273-G-A.
Other names: 301C-T; c.301C>T, p.Gln101Ter (NM_001308242.2, NM_001308243.2); short protein forms Q101*.
Identifiers: ClinVar variation 203515 (VCV000203515.9), dbSNP rs886041037, ClinGen allele CA10602389.
Genomic context (GRCh38, chr10:6,024,310, plus strand): 5'-GGCTCGCTTGGTCCACTGGCTGCATTGGACTTTGCATTTCTGTGGTTTTCCTTTCTTTCT[G>A]TTCTTCAGGTTGAGGTGTCACTTGTTTCGTTGTGTTCCGAGTGGCTAGAAAATATAGATG-3'